The following is an entry in ClinVar:

ClinVar aggregate classification (germline): Likely pathogenic. Review status: criteria provided, multiple submitters, no conflicts (2 of 4 stars). 2 submissions from 2 submitters: Likely pathogenic (2). Last evaluated 2025-03-04.

Conditions:
Primary ciliary dyskinesia 5. Also called: CILIARY DYSKINESIA, PRIMARY, 5, WITHOUT SITUS INVERSUS. Identifiers: Orphanet 244, MedGen C1837615, MONDO:0012088, OMIM 608647.

Submissions (2):

Institute of Human Genetics, University of Leipzig Medical Center
Classification: Likely pathogenic for Primary ciliary dyskinesia 5. Last evaluated: 2025-03-04. Review status: criteria provided, single submitter. Criteria: ACMG Guidelines, 2015. Collection method: clinical testing. Allele origin: unknown. Affected: yes.
Comment: Criteria applied: PM3_STR,PM2,PP3

Department of Human Genetics, Hannover Medical School
Classification: Likely pathogenic for Primary ciliary dyskinesia 5. Last evaluated: 2024-12-12. Review status: criteria provided, single submitter. Criteria: ACMG Guidelines, 2015. Collection method: clinical testing. Allele origin: germline. Inheritance: Autosomal recessive inheritance. Affected: yes.

NM_001270974.2(HYDIN):c.12444-3C>G

Gene: HYDIN (HYDIN axonemal central pair apparatus protein; minus strand). Cytogenetic location: 16q22.2.
Variant type: single nucleotide variant.
Coding change: c.12444-3C>G on transcript NM_001270974.2 (MANE Select); 3 bases into the intron before coding-DNA position 12444, C replaced by G.
Molecular consequence: intron variant.
Genome position (GRCh38, 1-based): chr16:70,850,658, G>C on the plus strand (C>G on the coding strand, the complement: HYDIN is on the minus strand). VCF-style: chr16-70850658-G-C. GRCh37 (hg19) VCF-style: chr16-70884561-G-C.
Identifiers: ClinVar variation 3385338 (VCV003385338.3).